The following is an entry in ClinVar:

NM_001379291.1(BRD4):c.2874_2891dup (p.Pro964_Ser965insProProProProHisPro)

Gene: BRD4 (bromodomain containing 4; minus strand). Cytogenetic location: 19p13.12.
Variant type: Duplication.
Coding change: c.2874_2891dup on transcript NM_001379291.1 (MANE Select); coding-DNA positions 2874 to 2891, 18 bases duplicated (GCCGCCCCCACCCCACCC).
Protein change: p.Pro964_Ser965insProProProProHisPro.
Molecular consequence: inframe insertion.
Genome position (GRCh38, 1-based): chr19:15,243,178-15,243,195, GGGTGGGGTGGGGGCGGC duplicated on the plus strand (GCCGCCCCCACCCCACCC on the coding strand, the reverse complement: BRD4 is on the minus strand). VCF-style (leftmost placement, unchanged base first): chr19-15243177-G-GGGGTGGGGTGGGGGCGGC. GRCh37 (hg19) VCF-style: chr19-15353988-G-GGGGTGGGGTGGGGGCGGC.
Other names: c.2874_2891dup, p.Pro964_Ser965insProProProProHisPro (NM_058243.3).
Identifiers: ClinVar variation 3013849 (VCV003013849.3), dbSNP rs2512711544, ClinGen allele CA2740091970.

ClinVar aggregate classification (germline): Uncertain significance (1 of 4 stars; one submission).

Submission:

Labcorp Genetics (formerly Invitae), Labcorp
Classification: Uncertain significance. Last evaluated: 2023-05-12. Review status: criteria provided, single submitter. Criteria: Invitae Variant Classification Sherloc (09022015). Collection method: clinical testing. Allele origin: germline.
Comment: In summary, the available evidence is currently insufficient to determine the role of this variant in disease. Therefore, it has been classified as a Variant of Uncertain Significance. This variant has not been reported in the literature in individuals affected with BRD4-related conditions. This variant is not present in population databases (gnomAD no frequency). This variant, c.2874_2891dup, results in the insertion of 6 amino acid(s) of the BRD4 protein (p.Pro959_Pro964dup), but otherwise preserves the integrity of the reading frame.